The following is an entry in ClinVar:

NM_130839.5(UBE3A):c.160T>G (p.Cys54Gly)

Genes: SNHG14 (small nucleolar RNA host gene 14; plus strand), UBE3A (ubiquitin protein ligase E3A; minus strand). Cytogenetic location: 15q11.2.
Variant type: single nucleotide variant.
Coding change: c.160T>G on transcript NM_130839.5 (MANE Select); coding-DNA position 160, T replaced by G.
Protein change: p.Cys54Gly; replaces cysteine 54 with glycine.
Molecular consequence: missense variant. On other transcripts: 5 prime UTR variant (1), non-coding transcript variant (1).
Genome position (GRCh38, 1-based): chr15:25,375,666, A>C on the plus strand (T>G on the coding strand, the complement: UBE3A is on the minus strand). VCF-style: chr15-25375666-A-C. GRCh37 (hg19) VCF-style: chr15-25620813-A-C.
Other names: c.100T>G, p.Cys34Gly (NM_001354506.2, NM_001354507.2, NM_001354508.2 and 18 more transcripts); c.160T>G, p.Cys54Gly (NM_001354538.2, NM_001354545.2, NM_001354550.2 and 1 more transcripts); c.-18T>G (NM_001354546.2); c.169T>G, p.Cys57Gly (NM_000462.5); short protein forms C34G, C54G, C57G.
Identifiers: ClinVar variation 3363398 (VCV003363398.2).

ClinVar aggregate classification (germline): Uncertain significance (1 of 4 stars; one submission).

Submission:

GeneDx
Classification: Uncertain significance. Last evaluated: 2026-06-14. Review status: criteria provided, single submitter. Criteria: GeneDx Variant Classification Process June 2021. Collection method: clinical testing. Allele origin: germline.
Comment: Not observed at significant frequency in large population cohorts (gnomAD); In silico analysis suggests that this missense variant does not alter protein structure/function; Has not been previously published as pathogenic or benign to our knowledge